The following is an entry in ClinVar:

NM_005090.4(JMJD7-PLA2G4B):c.1153G>A (p.Val385Ile)

Genes: JMJD7-PLA2G4B (JMJD7-PLA2G4B readthrough; plus strand), PLA2G4B (phospholipase A2 group IVB; plus strand). Cytogenetic location: 15q15.1.
Variant type: single nucleotide variant.
Coding change: c.1153G>A on transcript NM_005090.4; coding-DNA position 1153, G replaced by A.
Protein change: p.Val385Ile; replaces valine 385 with isoleucine.
Molecular consequence: missense variant.
Genome position (GRCh38, 1-based): chr15:41,841,541, G>A. VCF-style: chr15-41841541-G-A. GRCh37 (hg19) VCF-style: chr15-42133739-G-A.
Other names: c.460G>A, p.Val154Ile (NM_001114633.2); c.1153G>A, p.Val385Ile (NM_001198588.2); short protein forms V154I, V385I.
Identifiers: ClinVar variation 3045680 (VCV003045680.2), dbSNP rs141176840, ClinGen allele CA7499647.

ClinVar aggregate classification (germline): Benign (0 of 4 stars; one submission).

Conditions:
JMJD7-PLA2G4B-related disorder. Also called: JMJD7-PLA2G4B-related condition.

Allele frequency attached by ClinVar (database versions not stated): ESP Exome Variant Server 0.00108; gnomAD 0.00123; TOPMed 0.00126; 1000 Genomes Project 0.00140; 1000 Genomes Project 30x 0.00141.
gnomAD v4.1: 497 of 1,614,104 alleles (0.031%); highest among the groups gnomAD compares: African/African-American, 0.33%; 4 homozygotes.

Submission:

PreventionGenetics, part of Exact Sciences
Classification: Benign for JMJD7-PLA2G4B-related condition. Last evaluated: 2019-02-22. Review status: no assertion criteria provided. Collection method: clinical testing. Allele origin: germline.
Comment: This variant is classified as benign based on ACMG/AMP sequence variant interpretation guidelines (Richards et al. 2015 PMID: 25741868, with internal and published modifications).